The following is an entry in ClinVar:

ClinVar aggregate classification (germline): Uncertain significance (1 of 4 stars; one submission).

Submission:

Labcorp Genetics (formerly Invitae), Labcorp
Classification: Uncertain significance. Last evaluated: 2024-10-15. Review status: criteria provided, single submitter. Criteria: Invitae Variant Classification Sherloc (09022015). Collection method: clinical testing. Allele origin: germline.
Comment: This sequence change replaces alanine, which is neutral and non-polar, with proline, which is neutral and non-polar, at codon 44 of the ARID1A protein (p.Ala44Pro). The frequency data for this variant in the population databases is considered unreliable, as metrics indicate insufficient coverage at this position in the gnomAD database. This variant has not been reported in the literature in individuals affected with ARID1A-related conditions. ClinVar contains an entry for this variant (Variation ID: 1721034). Invitae Evidence Modeling of protein sequence and biophysical properties (such as structural, functional, and spatial information, amino acid conservation, physicochemical variation, residue mobility, and thermodynamic stability) indicates that this missense variant is not expected to disrupt ARID1A protein function with a negative predictive value of 95%. In summary, the available evidence is currently insufficient to determine the role of this variant in disease. Therefore, it has been classified as a Variant of Uncertain Significance.

NM_006015.6(ARID1A):c.130G>C (p.Ala44Pro)

Gene: ARID1A (AT-rich interaction domain 1A; plus strand). Cytogenetic location: 1p36.11.
Variant type: single nucleotide variant.
Coding change: c.130G>C on transcript NM_006015.6 (MANE Select); coding-DNA position 130, G replaced by C.
Protein change: p.Ala44Pro; replaces alanine 44 with proline.
Molecular consequence: missense variant.
Genome position (GRCh38, 1-based): chr1:26,696,533, G>C. VCF-style: chr1-26696533-G-C. GRCh37 (hg19) VCF-style: chr1-27023024-G-C.
Other names: c.130G>C, p.Ala44Pro (NM_139135.4); short protein forms A44P.
Identifiers: ClinVar variation 1721034 (VCV001721034.5), dbSNP rs2124740341, ClinGen allele CA339264459.